The following is an entry in ClinVar:

ClinVar aggregate classification (germline): Uncertain significance (0 of 4 stars; one submission).

Conditions:
DIAPH3-related disorder. Also called: DIAPH3-related condition.

gnomAD v4.1: 5 of 1,600,660 alleles (0.00031%); highest among the groups gnomAD compares: Non-Finnish European, 0.00043%; no homozygotes.

Submission:

PreventionGenetics, part of Exact Sciences
Classification: Uncertain significance for DIAPH3-related condition. Last evaluated: 2024-08-05. Review status: no assertion criteria provided. Collection method: clinical testing. Allele origin: germline.
Comment: The DIAPH3 c.2111C>A variant is predicted to result in premature protein termination (p.Ser704*). To our knowledge, this variant has not been reported in the literature. This variant is reported in 0.00089% of alleles in individuals of European (Non-Finnish) descent in gnomAD. Loss-of-function has not been established as a disease mechanism for this gene, and therefore the clinical significance of this variant is currently uncertain due to the absence of conclusive functional and genetic evidence.

NM_001042517.2(DIAPH3):c.2111C>A (p.Ser704Ter)

Gene: DIAPH3 (diaphanous related formin 3; minus strand). Cytogenetic location: 13q21.2.
Variant type: single nucleotide variant.
Coding change: c.2111C>A on transcript NM_001042517.2 (MANE Select); coding-DNA position 2111, C replaced by A.
Protein change: p.Ser704Ter; replaces serine 704 with a stop codon.
Molecular consequence: nonsense.
Genome position (GRCh38, 1-based): chr13:59,924,834, G>T on the plus strand (C>A on the coding strand, the complement: DIAPH3 is on the minus strand). VCF-style: chr13-59924834-G-T. GRCh37 (hg19) VCF-style: chr13-60498968-G-T.
Other names: c.2078C>A, p.Ser693Ter (NM_001258366.2); c.1973C>A, p.Ser658Ter (NM_001258367.2); c.1901C>A, p.Ser634Ter (NM_001258368.2); c.2111C>A, p.Ser704Ter (NM_001258369.2); c.1322C>A, p.Ser441Ter (NM_001258370.2, NM_030932.4); short protein forms S441*, S634*, S658*, S693*, S704*.
Identifiers: ClinVar variation 3345316 (VCV003345316.1).